The following is an entry in ClinVar:

ClinVar aggregate classification (germline): Uncertain significance (1 of 4 stars; one submission).

gnomAD v4.1: 15 of 1,614,144 alleles (0.00093%); highest among the groups gnomAD compares: Non-Finnish European, 0.00093%; no homozygotes.

Submission:

Mayo Clinic Laboratories, Mayo Clinic
Classification: Uncertain significance. Last evaluated: 2024-10-22. Review status: criteria provided, single submitter. Criteria: ACMG Guidelines, 2015. Collection method: clinical testing. Allele origin: germline. Observed: 1 variant allele.
Comment: BP4, PM2_supporting

NM_015378.4(VPS13D):c.1372T>C (p.Ser458Pro)

Gene: VPS13D (vacuolar protein sorting 13 homolog D; plus strand). Cytogenetic location: 1p36.22.
Variant type: single nucleotide variant.
Coding change: c.1372T>C on transcript NM_015378.4 (MANE Select); coding-DNA position 1372, T replaced by C.
Protein change: p.Ser458Pro; replaces serine 458 with proline.
Molecular consequence: missense variant.
Genome position (GRCh38, 1-based): chr1:12,261,107, T>C. VCF-style: chr1-12261107-T-C. GRCh37 (hg19) VCF-style: chr1-12321164-T-C.
Other names: p.Ser458Pro; c.1372T>C, p.Ser458Pro (NM_018156.4); short protein forms S458P.
Identifiers: ClinVar variation 4540650 (VCV004540650.1).